The following is an entry in ClinVar:

ClinVar aggregate classification (germline): Pathogenic. Review status: criteria provided, multiple submitters, no conflicts (2 of 4 stars). 4 submissions from 4 submitters: Pathogenic (4). Last evaluated 2025-04-22.

Conditions:
Pituitary adenoma 5, multiple types. Identifiers: MedGen C4539685, MONDO:0054601, OMIM 617540.

Allele frequency attached by ClinVar (database versions not stated): gnomAD exomes below 0.00001.
gnomAD v4.1: 3 of 1,613,950 alleles (0.00019%); highest among the groups gnomAD compares: Non-Finnish European, 0.00025%; no homozygotes.

Submissions (4):

GeneDx
Classification: Pathogenic. Last evaluated: 2025-04-22. Review status: criteria provided, single submitter. Criteria: GeneDx Variant Classification Process June 2021. Collection method: clinical testing. Allele origin: germline. Affected: yes.
Comment: Nonsense variant predicted to result in protein truncation or nonsense mediated decay in a gene for which loss of function is a known mechanism of disease; Not observed at significant frequency in large population cohorts (gnomAD); This variant is associated with the following publications: (PMID: 25468891)

Dasa
Classification: Pathogenic. Last evaluated: 2024-10-07. Review status: criteria provided, single submitter. Criteria: DASA Assertion Criteria. Collection method: clinical testing. Allele origin: germline.
Comment: NM_022124.6(CDH23):c.3655C>T (p.Arg1219*) introduces a premature termination codon predicted to result in loss of normal protein function. Loss-of-function is an established mechanism of disease for this gene. This variant has been reported in individuals with related phenotype. This variant has been observed in affected individuals with related phenotype in a genotype context consistent with recessive disease. The variant is present at low frequency in population datasets. Based on the available data, this variant is classified as pathogenic.

Labcorp Genetics (formerly Invitae), Labcorp
Classification: Pathogenic. Last evaluated: 2024-07-30. Review status: criteria provided, single submitter. Criteria: Invitae Variant Classification Sherloc (09022015). Collection method: clinical testing. Allele origin: germline.
Comment: This sequence change creates a premature translational stop signal (p.Arg1219*) in the CDH23 gene. It is expected to result in an absent or disrupted protein product. Loss-of-function variants in CDH23 are known to be pathogenic (PMID: 11138009, 21940737). This variant is not present in population databases (gnomAD no frequency). This premature translational stop signal has been observed in individual(s) with Usher syndrome (PMID: 25468891). ClinVar contains an entry for this variant (Variation ID: 1073637). For these reasons, this variant has been classified as Pathogenic.

Baylor Genetics
Classification: Pathogenic for Pituitary adenoma 5, multiple types. Last evaluated: 2023-08-20. Review status: criteria provided, single submitter. Criteria: ACMG Guidelines, 2015. Collection method: clinical testing. Allele origin: unknown.

Literature cited by the submitters: PubMed 11138009 (cited by Labcorp Genetics (formerly Invitae), Labcorp); PubMed 21940737 (cited by Labcorp Genetics (formerly Invitae), Labcorp); PubMed 25468891 (cited by Labcorp Genetics (formerly Invitae), Labcorp).

NM_022124.6(CDH23):c.3655C>T (p.Arg1219Ter)

Genes: C10orf105 (chromosome 10 open reading frame 105; minus strand), CDH23 (cadherin related 23; plus strand). Cytogenetic location: 10q22.1.
Variant type: single nucleotide variant.
Coding change: c.3655C>T on transcript NM_022124.6 (MANE Select); coding-DNA position 3655, C replaced by T.
Protein change: p.Arg1219Ter; replaces arginine 1219 with a stop codon.
Molecular consequence: nonsense. On other transcripts: intron variant (1).
Genome position (GRCh38, 1-based): chr10:71,730,544, C>T. VCF-style: chr10-71730544-C-T. GRCh37 (hg19) VCF-style: chr10-73490301-C-T.
Other names: c.3655C>T, p.Arg1219Ter (NM_001171930.2); c.-6+7184G>A (NM_001168390.2); short protein forms R1219*.
Identifiers: ClinVar variation 1073637 (VCV001073637.13), dbSNP rs2132820264, ClinGen allele CA377154586.